The following is an entry in ClinVar:

ClinVar aggregate classification (germline): Uncertain significance (1 of 4 stars; one submission).

Conditions:
Progressive sclerosing poliodystrophy (MTDPS4A). Also called: ALPERS PROGRESSIVE INFANTILE POLIODYSTROPHY; NEURONAL DEGENERATION OF CHILDHOOD WITH LIVER DISEASE, PROGRESSIVE; Alpers Syndrome; ALPERS DIFFUSE DEGENERATION OF CEREBRAL GRAY MATTER WITH HEPATIC CIRRHOSIS; Alpers-Huttenlocher Syndrome; Mitochondrial DNA depletion syndrome 4A (Alpers type). Identifiers: Orphanet 726, MedGen C0205710, MONDO:0008758, OMIM 203700.

Submission:

Labcorp Genetics (formerly Invitae), Labcorp
Classification: Uncertain significance for Progressive sclerosing poliodystrophy. Last evaluated: 2024-08-27. Review status: criteria provided, single submitter. Criteria: Invitae Variant Classification Sherloc (09022015). Collection method: clinical testing. Allele origin: germline.
Comment: This variant, c.125_142dup, results in the insertion of 6 amino acid(s) of the POLG protein (p.Arg42_Gln47dup), but otherwise preserves the integrity of the reading frame. The frequency data for this variant in the population databases is considered unreliable, as metrics indicate poor data quality at this position in the gnomAD database. This variant has not been reported in the literature in individuals affected with POLG-related conditions. In summary, the available evidence is currently insufficient to determine the role of this variant in disease. Therefore, it has been classified as a Variant of Uncertain Significance.

NM_002693.3(POLG):c.125_142dup (p.Gln47_Gln48insArgGlnGlnGlnGlnGln)

Genes: POLG (DNA polymerase gamma, catalytic subunit; minus strand), POLGARF (POLG alternative reading frame; minus strand). Cytogenetic location: 15q26.1.
Variant type: Duplication.
Coding change: c.125_142dup on transcript NM_002693.3 (MANE Select); coding-DNA positions 125 to 142, 18 bases duplicated (GGCAGCAGCAGCAGCAGC).
Protein change: p.Gln47_Gln48insArgGlnGlnGlnGlnGln.
Genome position (GRCh38, 1-based): chr15:89,333,613-89,333,630, GCTGCTGCTGCTGCTGCC duplicated on the plus strand (GGCAGCAGCAGCAGCAGC on the coding strand, the reverse complement: POLG is on the minus strand); duplicating any 18 consecutive bases within chr15:89,333,613-89,333,632 gives the same sequence; the c. name uses the placement nearest the transcript's 3' end. VCF-style (leftmost placement, unchanged base first): chr15-89333612-T-TGCTGCTGCTGCTGCTGCC. GRCh37 (hg19) VCF-style: chr15-89876843-T-TGCTGCTGCTGCTGCTGCC.
Other names: c.180_197dup, p.Ala71_Thr72insAlaAlaAlaAlaAlaAla (NM_001430120.1); c.125_142dup, p.Gln47_Gln48insArgGlnGlnGlnGlnGln (NM_001126131.2).
Identifiers: ClinVar variation 3690717 (VCV003690717.2).